The following is an entry in ClinVar:

NM_000254.3(MTR):c.2356G>A (p.Asp786Asn)

Gene: MTR (5-methyltetrahydrofolate-homocysteine methyltransferase; plus strand). Cytogenetic location: 1q43.
Variant type: single nucleotide variant.
Coding change: c.2356G>A on transcript NM_000254.3 (MANE Select); coding-DNA position 2356, G replaced by A.
Protein change: p.Asp786Asn; replaces aspartic acid 786 with asparagine.
Molecular consequence: missense variant.
Genome position (GRCh38, 1-based): chr1:236,863,505, G>A. VCF-style: chr1-236863505-G-A. GRCh37 (hg19) VCF-style: chr1-237026805-G-A.
Other names: c.2203G>A, p.Asp735Asn (NM_001291939.1); c.1135G>A, p.Asp379Asn (NM_001291940.2); c.2356G>A, p.Asp786Asn (NM_001410942.1); short protein forms D379N, D735N, D786N.
Identifiers: ClinVar variation 2420836 (VCV002420836.6), dbSNP rs2528260622, ClinGen allele CA345379039.

ClinVar aggregate classification (germline): Uncertain significance (1 of 4 stars; one submission).

Conditions:
Methylcobalamin deficiency type cblG (HMAG). Also called: HOMOCYSTINURIA-MEGALOBLASTIC ANEMIA DUE TO DEFECT IN COBALAMIN METABOLISM, cblG COMPLEMENTATION TYPE; HOMOCYSTINURIA-MEGALOBLASTIC ANEMIA, cblG COMPLEMENTATION TYPE; Functional methionine synthase deficiency type cblG; HOMOCYSTINURIA-MEGALOBLASTIC ANEMIA, cblG TYPE. Identifiers: Orphanet 2170, Orphanet 622, MedGen C1855128, MONDO:0009609, OMIM 250940.

Allele frequency attached by ClinVar (database versions not stated): gnomAD exomes below 0.00001.
gnomAD v4.1: 3 of 1,614,054 alleles (0.00019%); highest among the groups gnomAD compares: Non-Finnish European, 0.00025%; no homozygotes.

Submission:

Labcorp Genetics (formerly Invitae), Labcorp
Classification: Uncertain significance for Methylcobalamin deficiency type cblG. Last evaluated: 2022-05-14. Review status: criteria provided, single submitter. Criteria: Invitae Variant Classification Sherloc (09022015). Collection method: clinical testing. Allele origin: germline.
Comment: In summary, the available evidence is currently insufficient to determine the role of this variant in disease. Therefore, it has been classified as a Variant of Uncertain Significance. Algorithms developed to predict the effect of missense changes on protein structure and function are either unavailable or do not agree on the potential impact of this missense change (SIFT: "Deleterious"; PolyPhen-2: "Probably Damaging"; Align-GVGD: "Class C0"). This variant has not been reported in the literature in individuals affected with MTR-related conditions. This variant is not present in population databases (gnomAD no frequency). This sequence change replaces aspartic acid, which is acidic and polar, with asparagine, which is neutral and polar, at codon 786 of the MTR protein (p.Asp786Asn).